The following is an entry in ClinVar:

ClinVar aggregate classification (germline): Conflicting classifications of pathogenicity. Review status: criteria provided, conflicting classifications (1 of 4 stars). 11 submissions from 8 submitters: Uncertain significance (8); Benign (3). Last evaluated 2026-01-28.

Conditions:
Hirschsprung disease, susceptibility to, 1 (HSCR1). Also called: RET-Related Hirschsprung Disease. Identifiers: Orphanet 388, MedGen C3888239, MONDO:0007723, OMIM 142623.
Multiple endocrine neoplasia type 2B. Also called: WAGENMANN-FROBOESE SYNDROME; MULTIPLE ENDOCRINE NEOPLASIA, TYPE III; MULTIPLE ENDOCRINE NEOPLASIA, TYPE IIB; MEN IIB; NEUROMATA, MUCOSAL, WITH ENDOCRINE TUMORS; MEN 2B. Identifiers: Orphanet 247709, Orphanet 653, MedGen C0025269, MeSH D018814, MONDO:0008082, OMIM 162300.
Pheochromocytoma. Also called: MAX-Related Hereditary Paraganglioma-Pheochromocytoma Syndrome. Identifiers: Orphanet 29072, MedGen C0031511, MONDO:0008233, OMIM 171300, HP:0002666.
Familial medullary thyroid carcinoma (MTC). Also called: Thyroid cancer, familial medullary; MTC, familial; Familial Medullary Thyroid Carcinoma (FMTC). Identifiers: Orphanet 653, Orphanet 99361, MedGen C1833921, MONDO:0007958, OMIM 155240.
Multiple endocrine neoplasia type 2A. Also called: Multiple Endocrine Neoplasia Type 2A (MEN2A); MULTIPLE ENDOCRINE NEOPLASIA, TYPE IIA; PTC SYNDROME; SIPPLE SYNDROME; MEN 2A; MEN-2A syndrome. Identifiers: Orphanet 247698, Orphanet 653, MedGen C0025268, MeSH D018813, MONDO:0008234, OMIM 171400.
Hereditary cancer-predisposing syndrome. Also called: Tumor predisposition; Hereditary Cancer Syndrome; Hereditary neoplastic syndrome; Neoplastic Syndromes, Hereditary. Identifiers: Orphanet 140162, MedGen C0027672, MeSH D009386, MONDO:0015356.
Renal hypodysplasia/aplasia 1 (RHDA1). Also called: RENAL APLASIA; HEREDITARY RENAL APLASIA. Identifiers: Orphanet 411709, MedGen C1619700, MONDO:0024519, OMIM 191830.
Multiple endocrine neoplasia. Identifiers: Orphanet 276161, MedGen C0027662, MONDO:0017169.
Multiple endocrine neoplasia, type 2 (MEN2). Identifiers: Orphanet 653, MedGen C4048306, MONDO:0019003. Disease mechanism: gain of function.

Allele frequency attached by ClinVar (database versions not stated): gnomAD 0.00001; TOPMed 0.00001; gnomAD exomes 0.00003 and 0.00006; ExAC 0.00010; 1000 Genomes Project 30x 0.00016; 1000 Genomes Project 0.00020.

Submissions (11):

Labcorp Genetics (formerly Invitae), Labcorp
Classification: Uncertain significance for Multiple endocrine neoplasia, type 2. Last evaluated: 2026-01-28. Review status: criteria provided, single submitter. Criteria: Invitae Variant Classification Sherloc (09022015). Collection method: clinical testing. Allele origin: germline.
Comment: This sequence change replaces arginine, which is basic and polar, with tryptophan, which is neutral and slightly polar, at codon 79 of the RET protein (p.Arg79Trp). This variant is present in population databases (rs537523906, gnomAD 0.04%), and has an allele count higher than expected for a pathogenic variant. This missense change has been observed in individual(s) with Hirschsprung disease (PMID: 26395553). ClinVar contains an entry for this variant (Variation ID: 405541). An algorithm developed to predict the effect of missense changes on protein structure and function (PolyPhen-2) suggests that this variant is likely to be disruptive. Experimental studies have shown that this missense change does not substantially affect RET function (PMID: 26395553). In summary, the available evidence is currently insufficient to determine the role of this variant in disease. Therefore, it has been classified as a Variant of Uncertain Significance.

Molecular Diagnostics Laboratory, Catalan Institute of Oncology
Classification: Uncertain significance for Hereditary cancer-predisposing syndrome. Last evaluated: 2025-04-24. Review status: criteria provided, single submitter. Criteria: ACMG Guidelines, 2015. Collection method: clinical testing. Allele origin: germline.
Comment: c.235C>T, located in exon 2 of the RET gene, is predicted to result in the substitution of Arginine by Tryptophan at codon 79, p.(Arg79Trp). This variant is found in 14/267670 alleles at a frequency of 0.0052% in the gnomAD v2.1.1 database, non-cancer dataset. The SpliceAI algorithm predicts no significant impact on splicing and the REVEL meta-predictor score (0.456) for this variant is indeterminate regarding the effect that it may have on protein function according Pejaver 2022 thresholds (PMID: 36413997). Functional studies (PMID: 26395553) have shown that this missense change has a tolerated effect. To our knowledge, relevant clinical data have not been reported for this variant. It has been reported in the ClinVar database (3x benign, 6x uncertain significance). Based on the currently available information, p.(Arg79Trp) is classified as an uncertain significance ACMG guidelines.

Fulgent Genetics
Classification: Uncertain significance for Hirschsprung disease, susceptibility to, 1; Familial medullary thyroid carcinoma; Multiple endocrine neoplasia type 2B; Pheochromocytoma; Multiple endocrine neoplasia type 2A. Last evaluated: 2024-05-30. Review status: criteria provided, single submitter. Criteria: ACMG Guidelines, 2015. Collection method: clinical testing. Allele origin: germline.

All of Us Research Program, National Institutes of Health
Classification: Uncertain significance for Multiple endocrine neoplasia, type 2. Last evaluated: 2024-05-09. Review status: criteria provided, single submitter. Criteria: ACMG Guidelines, 2015. Collection method: clinical testing. Allele origin: germline. Inheritance: Autosomal dominant inheritance. Observed: 4 variant alleles, 4 heterozygotes.
Comment: This study involves interpretation of variants in research participants for the purpose of population health screening. Participant phenotype was not available at the time of variant classification. Additional details can be found in publication PMID: 35346344, PMCID: PMC8962531

Mayo Clinic Laboratories, Mayo Clinic
Classification: Uncertain significance. Last evaluated: 2024-04-02. Review status: criteria provided, single submitter. Criteria: ACMG Guidelines, 2015. Collection method: clinical testing. Allele origin: germline. Observed: 1 variant allele.
Comment: BS1

GeneDx
Classification: Uncertain significance. Last evaluated: 2023-12-20. Review status: criteria provided, single submitter. Criteria: GeneDx Variant Classification Process June 2021. Collection method: clinical testing. Allele origin: germline. Affected: yes.
Comment: In silico analysis supports that this missense variant does not alter protein structure/function; Identified in an individual with Hirschsprung disease (PMID: 26395553); Published functional studies demonstrate levels of phosphorylated RET and ERK similar to wildtype (PMID: 26395553); This variant is associated with the following publications: (PMID: 14633923, 26395553)

Ambry Genetics
Classification: Benign for Hereditary cancer-predisposing syndrome. Last evaluated: 2021-12-15. Review status: criteria provided, single submitter. Criteria: Ambry Variant Classification Scheme 2023. Collection method: clinical testing. Allele origin: germline.

Illumina Laboratory Services, Illumina
Classification: Benign for Pheochromocytoma. Last evaluated: 2017-04-27. Review status: criteria provided, single submitter. Criteria: ICSL Variant Classification Criteria 13 December 2019. Collection method: clinical testing. Allele origin: germline.
Comment: This variant was observed as part of a predisposition screen in an ostensibly healthy population. A literature search was performed for the gene, cDNA change, and amino acid change (where applicable). No publications were found based on this search. Allele frequency data from public databases was too high to be consistent with this variant causing disease. Therefore, this variant is classified as benign.

Illumina Laboratory Services, Illumina
Classification: Uncertain significance for Renal hypodysplasia/aplasia 1. Last evaluated: 2017-04-27. Review status: criteria provided, single submitter. Criteria: ICSL Variant Classification Criteria 13 December 2019. Collection method: clinical testing. Allele origin: germline.

Illumina Laboratory Services, Illumina
Classification: Benign for Multiple endocrine neoplasia. Last evaluated: 2017-04-27. Review status: criteria provided, single submitter. Criteria: ICSL Variant Classification Criteria 13 December 2019. Collection method: clinical testing. Allele origin: germline.
Comment: the same text as in the submission from Illumina Laboratory Services, Illumina above.

Illumina Laboratory Services, Illumina
Classification: Uncertain significance for Hirschsprung disease, susceptibility to, 1. Last evaluated: 2017-04-27. Review status: criteria provided, single submitter. Criteria: ICSL Variant Classification Criteria 13 December 2019. Collection method: clinical testing. Allele origin: germline.
Comment: This variant was observed as part of a predisposition screen in an ostensibly healthy population. A literature search was performed for the gene, cDNA change, and amino acid change (where applicable). Publications were found based on this search. However, the evidence from the literature, in combination with allele frequency data from public databases where available, was not sufficient to rule this variant in or out of causing disease. Therefore, this variant is classified as a variant of unknown significance.

Literature cited by the submitters: PubMed 26395553 (cited by 3 submitters).

NM_020975.6(RET):c.235C>T (p.Arg79Trp)

Gene: RET (ret proto-oncogene; plus strand). Cytogenetic location: 10q11.21.
Variant type: single nucleotide variant.
Coding change: c.235C>T on transcript NM_020975.6 (MANE Select); coding-DNA position 235, C replaced by T.
Protein change: p.Arg79Trp; replaces arginine 79 with tryptophan.
Molecular consequence: missense variant.
Genome position (GRCh38, 1-based): chr10:43,100,620, C>T. VCF-style: chr10-43100620-C-T. GRCh37 (hg19) VCF-style: chr10-43596068-C-T.
Other names: p.Arg79Trp; c.235C>T, p.Arg79Trp (NM_000323.2, NM_001406743.1, NM_001406744.1 and 34 more transcripts); short protein forms R79W.
Identifiers: ClinVar variation 405541 (VCV000405541.24), dbSNP rs537523906, ClinGen allele CA038673.